The following is an entry in ClinVar:

NM_032444.4(SLX4):c.1584C>G (p.Ser528Arg)

Gene: SLX4 (SLX4 structure-specific endonuclease subunit; minus strand). Cytogenetic location: 16p13.3.
Variant type: single nucleotide variant.
Coding change: c.1584C>G on transcript NM_032444.4 (MANE Select); coding-DNA position 1584, C replaced by G.
Protein change: p.Ser528Arg; replaces serine 528 with arginine.
Molecular consequence: missense variant.
Genome position (GRCh38, 1-based): chr16:3,597,478, G>C on the plus strand (C>G on the coding strand, the complement: SLX4 is on the minus strand). VCF-style: chr16-3597478-G-C. GRCh37 (hg19) VCF-style: chr16-3647479-G-C.
Other names: short protein forms S528R.
Identifiers: ClinVar variation 845786 (VCV000845786.8), dbSNP rs139865448, ClinGen allele CA7866483.

ClinVar aggregate classification (germline): Conflicting classifications of pathogenicity. Review status: criteria provided, conflicting classifications (1 of 4 stars). 3 submissions from 3 submitters: Uncertain significance (2); Likely benign (1). Last evaluated 2024-01-16.

Conditions:
Fanconi anemia complementation group P. Also called: SLX4-Related Fanconi Anemia. Identifiers: Orphanet 84, MedGen C3469542, MONDO:0013499, OMIM 613951.
Fanconi anemia (FA). Also called: Fanconi's anemia. Identifiers: Orphanet 84, MedGen C0015625, MeSH D005199, MONDO:0019391.
Inborn genetic diseases. Identifiers: MedGen C0950123, MeSH D030342.

Allele frequency attached by ClinVar (database versions not stated): 1000 Genomes Project 0.00020; 1000 Genomes Project 30x 0.00031; TOPMed 0.00036; gnomAD 0.00041 and 0.00045; ESP Exome Variant Server 0.00046.
gnomAD v4.1: 147 of 1,613,970 alleles (0.0091%); highest among the groups gnomAD compares: African/African-American, 0.14%; no homozygotes.

Submissions (3):

Ambry Genetics
Classification: Likely benign for Inborn genetic diseases. Last evaluated: 2024-01-16. Review status: criteria provided, single submitter. Criteria: Ambry Variant Classification Scheme 2023. Collection method: clinical testing. Allele origin: germline.

Labcorp Genetics (formerly Invitae), Labcorp
Classification: Uncertain significance for Fanconi anemia. Last evaluated: 2022-10-22. Review status: criteria provided, single submitter. Criteria: Invitae Variant Classification Sherloc (09022015). Collection method: clinical testing. Allele origin: germline.
Comment: This sequence change replaces serine, which is neutral and polar, with arginine, which is basic and polar, at codon 528 of the SLX4 protein (p.Ser528Arg). This variant is present in population databases (rs139865448, gnomAD 0.1%). This variant has not been reported in the literature in individuals affected with SLX4-related conditions. ClinVar contains an entry for this variant (Variation ID: 845786). Algorithms developed to predict the effect of missense changes on protein structure and function (SIFT, PolyPhen-2, Align-GVGD) all suggest that this variant is likely to be tolerated. In summary, the available evidence is currently insufficient to determine the role of this variant in disease. Therefore, it has been classified as a Variant of Uncertain Significance.

Baylor Genetics
Classification: Uncertain significance for Fanconi anemia complementation group P. Last evaluated: 2019-09-10. Review status: criteria provided, single submitter. Criteria: ACMG Guidelines, 2015. Collection method: clinical testing. Allele origin: unknown. Affected: yes. Study: CSER-TexasKidsCanSeq.
Comment: This variant was determined to be of uncertain significance according to ACMG Guidelines, 2015 [PMID:25741868].